The following is an entry in ClinVar:

NM_001457.4(FLNB):c.6889-7T>G

Gene: FLNB (filamin B; plus strand). Cytogenetic location: 3p14.3.
Variant type: single nucleotide variant.
Coding change: c.6889-7T>G on transcript NM_001457.4 (MANE Select); 7 bases into the intron before coding-DNA position 6889, T replaced by G.
Molecular consequence: intron variant.
Genome position (GRCh38, 1-based): chr3:58,159,547, T>G. VCF-style: chr3-58159547-T-G. GRCh37 (hg19) VCF-style: chr3-58145274-T-G.
Other names: c.6982-7T>G (NM_001164317.2); c.6856-7T>G (NM_001164318.2); c.6817-7T>G (NM_001164319.2).
Identifiers: ClinVar variation 2104165 (VCV002104165.4), dbSNP rs2097358267, ClinGen allele CA2580070384.
Genomic context (GRCh38, chr3:58,159,547, plus strand): 5'-GGGTCAGTGTGTGCCACTGAGCAGGAACGCCGAGGGCCATAACCTGTCTGATGTATTAAA[T>G]TCTCAGGAATCGGGATTAAAAGTTAACCAGCCAGCATCCTTTGCTATAAGGTTGAATGGC-3'

ClinVar aggregate classification (germline): Uncertain significance (1 of 4 stars; one submission).

Submission:

Labcorp Genetics (formerly Invitae), Labcorp
Classification: Uncertain significance. Last evaluated: 2022-09-19. Review status: criteria provided, single submitter. Criteria: Invitae Variant Classification Sherloc (09022015). Collection method: clinical testing. Allele origin: germline.
Comment: This sequence change falls in intron 41 of the FLNB gene. It does not directly change the encoded amino acid sequence of the FLNB protein. This variant is not present in population databases (gnomAD no frequency). In summary, the available evidence is currently insufficient to determine the role of this variant in disease. Therefore, it has been classified as a Variant of Uncertain Significance. Algorithms developed to predict the effect of sequence changes on RNA splicing suggest that this variant may disrupt the consensus splice site. This variant has not been reported in the literature in individuals affected with FLNB-related conditions.